The following is an entry in ClinVar:

NM_000271.5(NPC1):c.1947+10_1947+11insGGC

Gene: NPC1 (NPC intracellular cholesterol transporter 1; minus strand). Cytogenetic location: 18q11.2.
Variant type: Insertion.
Coding change: c.1947+10_1947+11insGGC on transcript NM_000271.5 (MANE Select); bases 10 to 11 of the intron after coding-DNA position 1947, GGC inserted.
Molecular consequence: intron variant.
Genome position: GRCh38 VCF-style: chr18-23544949-C-CCCG. GRCh37 (hg19) VCF-style: chr18-21124913-C-CCCG.
Other names: c.1947+10_1947+11insCGG (NM_000271.4).
Identifiers: ClinVar variation 499387 (VCV000499387.14), dbSNP rs1555634676, ClinGen allele CA8913320.

ClinVar aggregate classification (germline): Conflicting classifications of pathogenicity. Review status: criteria provided, conflicting classifications (1 of 4 stars). 3 submissions from 3 submitters: Uncertain significance (1); Likely benign (1). 1 of the submissions does not count toward it. Last evaluated 2026-01-28.

Conditions:
NPC1-related disorder. Also called: NPC1-related condition.
Niemann-Pick disease, type C1. Also called: NEUROVISCERAL STORAGE DISEASE WITH VERTICAL SUPRANUCLEAR OPHTHALMOPLEGIA; NIEMANN-PICK DISEASE WITH CHOLESTEROL ESTERIFICATION BLOCK; NIEMANN-PICK DISEASE WITHOUT SPHINGOMYELINASE DEFICIENCY; NIEMANN-PICK DISEASE, CHRONIC NEURONOPATHIC FORM; NIEMANN-PICK DISEASE, VARIANT TYPE C1. Identifiers: Orphanet 646, MedGen C3179455, MONDO:0009757, OMIM 257220.

Submissions (3):

Labcorp Genetics (formerly Invitae), Labcorp
Classification: Likely benign for Niemann-Pick disease, type C1. Last evaluated: 2026-01-28. Review status: criteria provided, single submitter. Criteria: Invitae Variant Classification Sherloc (09022015). Collection method: clinical testing. Allele origin: germline.

Eurofins Ntd Llc (ga)
Classification: Uncertain significance. Last evaluated: 2016-12-27. Review status: criteria provided, single submitter. Criteria: EGL Classification Definitions 2015. Collection method: clinical testing. Allele origin: germline. Observed: 2 variant alleles, 2 heterozygotes.

PreventionGenetics, part of Exact Sciences
Classification: Likely benign for NPC1-related condition. Last evaluated: 2022-01-21. Review status: no assertion criteria provided. Collection method: clinical testing. Allele origin: germline. Not counted in ClinVar's aggregate classification.
Comment: This variant is classified as likely benign based on ACMG/AMP sequence variant interpretation guidelines (Richards et al. 2015 PMID: 25741868, with internal and published modifications).